The following is an entry in ClinVar:

NC_012920.1(MT-CO3):m.9387G>A

Gene: MT-CO3 (mitochondrially encoded cytochrome c oxidase III; plus strand).
Variant type: single nucleotide variant.
Genome position: chrM-9387-G-A.
Identifiers: ClinVar variation 693158 (VCV000693158.1), dbSNP rs1603222285, ClinGen allele CA414802830.

ClinVar aggregate classification (germline): Uncertain significance (1 of 4 stars; one submission).

Conditions:
Leigh syndrome (NULS). Also called: Leigh's necrotizing encephalopathy; Leigh's disease; Leigh Syndrome (mtDNA deletion); Leigh Disease; Subacute necrotizing encephalopathy; Necrotizing encephalopathy infantile subacute of Leigh. Identifiers: Orphanet 506, MedGen C2931891, MONDO:0009723, OMIM 256000.

Submission:

Wong Mito Lab, Molecular and Human Genetics, Baylor College of Medicine
Classification: Uncertain significance for Leigh syndrome. Last evaluated: 2019-10-17. Review status: criteria provided, single submitter. Criteria: Modified ACMG Guidelines (Unpublished). Collection method: clinical testing. Allele origin: germline.
Comment: The NC_012920.1:m.9387G>A (YP_003024032.1:p.Val61Met) variant in MTCO3 gene is interpretated to be a Uncertain Significance variant based on the modified ACMG guidelines (unpublished). This variant meets the following evidence codes: BS4, BP4, PP7

Literature cited by the submitters: PubMed 23645088.